The following is an entry in ClinVar:

NM_022455.5(NSD1):c.381A>T (p.Lys127Asn)

Gene: NSD1 (nuclear receptor binding SET domain protein 1; plus strand). Cytogenetic location: 5q35.3.
Variant type: single nucleotide variant.
Coding change: c.381A>T on transcript NM_022455.5 (MANE Select); coding-DNA position 381, A replaced by T.
Protein change: p.Lys127Asn; replaces lysine 127 with asparagine.
Molecular consequence: missense variant. On other transcripts: intron variant (7).
Genome position (GRCh38, 1-based): chr5:177,135,484, A>T. VCF-style: chr5-177135484-A-T. GRCh37 (hg19) VCF-style: chr5-176562485-A-T.
Other names: c.381A>T, p.Lys127Asn (NM_001409301.1, NM_001409302.1, NM_001409303.1 and 1 more transcripts); c.-37+284A>T (NM_001409305.1, NM_001409306.1, NM_001409308.1 and 4 more transcripts); short protein forms K127N.
Identifiers: ClinVar variation 1735224 (VCV001735224.3), dbSNP rs1212116881, ClinGen allele CA362293004.

ClinVar aggregate classification (germline): Conflicting classifications of pathogenicity. Review status: criteria provided, conflicting classifications (1 of 4 stars). 2 submissions from 2 submitters: Uncertain significance (1); Likely benign (1). Last evaluated 2026-06-12.

Conditions:
Inborn genetic diseases. Identifiers: MedGen C0950123, MeSH D030342.

Allele frequency attached by ClinVar (database versions not stated): TOPMed 0.00001; gnomAD 0.00001.
gnomAD v4.1: 7 of 1,614,104 alleles (0.00043%); highest among the groups gnomAD compares: Non-Finnish European, 0.00059%; no homozygotes.

Submissions (2):

Women's Health and Genetics/Laboratory Corporation of America, LabCorp
Classification: Uncertain significance. Last evaluated: 2026-06-12. Review status: criteria provided, single submitter. Criteria: LabCorp Variant Classification Summary - May 2015. Collection method: clinical testing. Allele origin: germline.
Comment: Variant summary: NSD1 c.381A>T (p.Lys127Asn) results in a non-conservative amino acid change in the encoded protein sequence. Algorithms developed to predict the effect of missense changes on protein structure and function are either unavailable or do not agree on the potential impact of this missense change. The variant allele was found at a frequency of 8e-06 in 251478 control chromosomes. The available data on variant occurrences in the general population are insufficient to allow any conclusion about variant significance. To our knowledge, no occurrence of c.381A>T in individuals affected with NSD1-related conditions and no experimental evidence demonstrating its impact on protein function have been reported. ClinVar contains an entry for this variant (Variation ID: 1735224). Based on the evidence outlined above, the variant was classified as uncertain significance.

Ambry Genetics
Classification: Likely benign for Inborn genetic diseases. Last evaluated: 2019-06-01. Review status: criteria provided, single submitter. Criteria: Ambry Variant Classification Scheme 2023. Collection method: clinical testing. Allele origin: germline.